The following is an entry in ClinVar:

NM_000091.5(COL4A3):c.710C>A (p.Pro237His)

Genes: COL4A3 (collagen type IV alpha 3 chain; plus strand), MFF-DT (MFF divergent transcript; minus strand). Cytogenetic location: 2q36.3.
Variant type: single nucleotide variant.
Coding change: c.710C>A on transcript NM_000091.5 (MANE Select); coding-DNA position 710, C replaced by A.
Protein change: p.Pro237His; replaces proline 237 with histidine.
Molecular consequence: missense variant.
Genome position (GRCh38, 1-based): chr2:227,253,583, C>A. VCF-style: chr2-227253583-C-A. GRCh37 (hg19) VCF-style: chr2-228118299-C-A.
Other names: short protein forms P237H.
Identifiers: ClinVar variation 4800361 (VCV004800361.1).

ClinVar aggregate classification (germline): Uncertain significance (1 of 4 stars; one submission).

Submission:

Labcorp Genetics (formerly Invitae), Labcorp
Classification: Uncertain significance. Last evaluated: 2025-03-07. Review status: criteria provided, single submitter. Criteria: Invitae Variant Classification Sherloc (09022015). Collection method: clinical testing. Allele origin: germline.
Comment: This sequence change replaces proline, which is neutral and non-polar, with histidine, which is basic and polar, at codon 237 of the COL4A3 protein (p.Pro237His). This variant is not present in population databases (gnomAD no frequency). This variant has not been reported in the literature in individuals affected with COL4A3-related conditions. Invitae Evidence Modeling of protein sequence and biophysical properties (such as structural, functional, and spatial information, amino acid conservation, physicochemical variation, residue mobility, and thermodynamic stability) has been performed for this missense variant. However, the output from this modeling did not meet the statistical confidence thresholds required to predict the impact of this variant on COL4A3 protein function. In summary, the available evidence is currently insufficient to determine the role of this variant in disease. Therefore, it has been classified as a Variant of Uncertain Significance.